The following is an entry in ClinVar:

ClinVar aggregate classification (germline): Uncertain significance (1 of 4 stars; one submission).

gnomAD v4.1: 11 of 1,613,910 alleles (0.00068%); highest among the groups gnomAD compares: Admixed American, 0.0017%; no homozygotes.

Submission:

Labcorp Genetics (formerly Invitae), Labcorp
Classification: Uncertain significance. Last evaluated: 2026-01-02. Review status: criteria provided, single submitter. Criteria: Invitae Variant Classification Sherloc (09022015). Collection method: clinical testing. Allele origin: germline.
Comment: This sequence change replaces valine, which is neutral and non-polar, with leucine, which is neutral and non-polar, at codon 878 of the KANK4 protein (p.Val878Leu). This variant is not present in population databases (gnomAD no frequency). This variant has not been reported in the literature in individuals affected with KANK4-related conditions. An algorithm developed to predict the effect of missense changes on protein structure and function (PolyPhen-2) suggests that this variant is likely to be tolerated. In summary, the available evidence is currently insufficient to determine the role of this variant in disease. Therefore, it has been classified as a Variant of Uncertain Significance.

NM_181712.5(KANK4):c.2632G>C (p.Val878Leu)

Gene: KANK4 (KN motif and ankyrin repeat domains 4; minus strand). Cytogenetic location: 1p31.3.
Variant type: single nucleotide variant.
Coding change: c.2632G>C on transcript NM_181712.5 (MANE Select); coding-DNA position 2632, G replaced by C.
Protein change: p.Val878Leu; replaces valine 878 with leucine.
Molecular consequence: missense variant.
Genome position (GRCh38, 1-based): chr1:62,253,117, C>G on the plus strand (G>C on the coding strand, the complement: KANK4 is on the minus strand). VCF-style: chr1-62253117-C-G. GRCh37 (hg19) VCF-style: chr1-62718789-C-G.
Other names: c.748G>C, p.Val250Leu (NM_001320269.2); short protein forms V250L, V878L.
Identifiers: ClinVar variation 4781185 (VCV004781185.1).